The following is an entry in ClinVar:

NM_000092.5(COL4A4):c.1889del (p.Pro630fs)

Gene: COL4A4 (collagen type IV alpha 4 chain; minus strand). Cytogenetic location: 2q36.3.
Variant type: Deletion.
Coding change: c.1889del on transcript NM_000092.5 (MANE Select); coding-DNA position 1889, one base deleted (C; older notation c.1889delC).
Protein change: p.Pro630fs; shifts the reading frame from proline 630.
Molecular consequence: frameshift variant.
Genome position (GRCh38, 1-based): chr2:227,077,992, G deleted on the plus strand (C on the coding strand, the reverse complement: COL4A4 is on the minus strand); the first of 5 consecutive G bases (chr2:227,077,992-227,077,996); deleting any one gives the same sequence. VCF-style (leftmost placement, unchanged base first): chr2-227077991-TG-T. GRCh37 (hg19) VCF-style: chr2-227942707-TG-T.
Other names: p.Pro630Glnfs*23; short protein forms P630fs.
Identifiers: ClinVar variation 562435 (VCV000562435.10), dbSNP rs757688183, ClinGen allele CA2145027.

ClinVar aggregate classification (germline): Pathogenic/Likely pathogenic. Review status: criteria provided, multiple submitters, no conflicts (2 of 4 stars). 5 submissions from 5 submitters: Pathogenic (3); Likely pathogenic (1). 1 of the submissions does not count toward it. Last evaluated 2025-06-20.

Conditions:
Autosomal recessive Alport syndrome (ATS2). Also called: COL4A3-Related Nephropathy; Alport syndrome type 2; ALPORT SYNDROME 2, AUTOSOMAL RECESSIVE; COL4A4 Alport Syndrome and Thin Basement Membrane Nephropathy. Identifiers: Orphanet 63, Orphanet 88919, MedGen C4746745, MONDO:0008762, OMIM 203780.
Benign familial hematuria. Also called: thin basement membrane disease. Identifiers: MedGen C0241908, MONDO:0957317.

Submissions (5):

Mayo Clinic Laboratories, Mayo Clinic
Classification: Likely pathogenic. Last evaluated: 2025-06-20. Review status: criteria provided, single submitter. Criteria: ACMG Guidelines, 2015. Collection method: clinical testing. Allele origin: germline. Observed: 1 variant allele.
Comment: PM2_supporting, PVS1

GeneDx
Classification: Pathogenic. Last evaluated: 2023-07-27. Review status: criteria provided, single submitter. Criteria: GeneDx Variant Classification Process June 2021. Collection method: clinical testing. Allele origin: germline. Affected: yes.
Comment: Frameshift variant predicted to result in protein truncation or nonsense mediated decay in a gene for which loss of function is a known mechanism of disease; Not observed at significant frequency in large population cohorts (gnomAD); This variant is associated with the following publications: (PMID: 30586318, 19129241)

Labcorp Genetics (formerly Invitae), Labcorp
Classification: Pathogenic. Last evaluated: 2023-05-24. Review status: criteria provided, single submitter. Criteria: Invitae Variant Classification Sherloc (09022015). Collection method: clinical testing. Allele origin: germline.
Comment: For these reasons, this variant has been classified as Pathogenic. ClinVar contains an entry for this variant (Variation ID: 562435). This premature translational stop signal has been observed in individual(s) with Alport syndrome (PMID: 19129241). The frequency data for this variant in the population databases is considered unreliable, as metrics indicate poor data quality at this position in the gnomAD database. This sequence change creates a premature translational stop signal (p.Pro630Glnfs*23) in the COL4A4 gene. It is expected to result in an absent or disrupted protein product. Loss-of-function variants in COL4A4 are known to be pathogenic (PMID: 21196518, 24854265, 25307543).

Fulgent Genetics
Classification: Pathogenic for Hematuria, benign familial, 1; Autosomal recessive Alport syndrome. Last evaluated: 2022-02-26. Review status: criteria provided, single submitter. Criteria: ACMG Guidelines, 2015. Collection method: clinical testing. Allele origin: unknown.

Gharavi Laboratory, Columbia University
Classification: Pathogenic. Last evaluated: 2018-09-16. Review status: no assertion criteria provided. Criteria: ACMG Guidelines, 2015. Collection method: research. Allele origin: germline. Affected: yes. Not counted in ClinVar's aggregate classification.

Literature cited by the submitters: PubMed 19129241 (cited by Mayo Clinic Laboratories, Mayo Clinic and Labcorp Genetics (formerly Invitae), Labcorp); PubMed 30586318 (cited by Mayo Clinic Laboratories, Mayo Clinic); PubMed 21196518 (cited by Labcorp Genetics (formerly Invitae), Labcorp); PubMed 24854265 (cited by Labcorp Genetics (formerly Invitae), Labcorp); PubMed 25307543 (cited by Labcorp Genetics (formerly Invitae), Labcorp).